The following is an entry in ClinVar:

NM_001018113.3(FANCB):c.634T>C (p.Phe212Leu)

Gene: FANCB (FA complementation group B; minus strand). Cytogenetic location: Xp22.2.
Variant type: single nucleotide variant.
Coding change: c.634T>C on transcript NM_001018113.3 (MANE Select); coding-DNA position 634, T replaced by C.
Protein change: p.Phe212Leu; replaces phenylalanine 212 with leucine.
Molecular consequence: missense variant.
Genome position (GRCh38, 1-based): chrX:14,864,877, A>G on the plus strand (T>C on the coding strand, the complement: FANCB is on the minus strand). VCF-style: chrX-14864877-A-G. GRCh37 (hg19) VCF-style: chrX-14882999-A-G.
Other names: c.634T>C, p.Phe212Leu (NM_001324162.2, NM_152633.4); short protein forms F212L.
Identifiers: ClinVar variation 1499719 (VCV001499719.6), dbSNP rs2147446219, ClinGen allele CA412444056.
Genomic context (GRCh38, chrX:14,864,877, plus strand): 5'-CAGGAGGAATAATGTATATATCACTTAATACTTCTTGACTTTCAAGAGAATATACACAAA[A>G]TTTGGTATTCCAAATTGCATAATCTGATTTTGAAGGCTCTTGAGTACATTCTTCCTCAGA-3'
Protein context (NP_001018123.1, residues 202-222): KSDYAIWNTK[Phe212Leu]CVYSLESQEV

ClinVar aggregate classification (germline): Uncertain significance (1 of 4 stars; one submission).

Conditions:
Fanconi anemia (FA). Also called: Fanconi's anemia. Identifiers: Orphanet 84, MedGen C0015625, MeSH D005199, MONDO:0019391.

Submission:

Labcorp Genetics (formerly Invitae), Labcorp
Classification: Uncertain significance for Fanconi anemia. Last evaluated: 2021-10-27. Review status: criteria provided, single submitter. Criteria: Invitae Variant Classification Sherloc (09022015). Collection method: clinical testing. Allele origin: germline.
Comment: This sequence change replaces phenylalanine, a(n) neutral and non-polar amino acid, with leucine, a(n) neutral and non-polar amino acid, at codon 212 of the FANCB protein (p.Phe212Leu). This variant is not present in population databases (gnomAD no frequency). This variant has not been reported in the literature in individuals affected with FANCB-related conditions. Algorithms developed to predict the effect of missense changes on protein structure and function output the following: SIFT: "Tolerated"; PolyPhen-2: "Benign"; Align-GVGD: "Class C0". The leucine amino acid residue is found in multiple mammalian species, which suggests that this missense change does not adversely affect protein function. In summary, the available evidence is currently insufficient to determine the role of this variant in disease. Therefore, it has been classified as a Variant of Uncertain Significance.